The following is an entry in ClinVar:

NM_001037.5(SCN1B):c.449-9C>A

Gene: SCN1B (sodium voltage-gated channel beta subunit 1; plus strand). Cytogenetic location: 19q13.11.
Variant type: single nucleotide variant.
Coding change: c.449-9C>A on transcript NM_001037.5 (MANE Select); 9 bases into the intron before coding-DNA position 449, C replaced by A.
Molecular consequence: intron variant.
Genome position (GRCh38, 1-based): chr19:35,039,108, C>A. VCF-style: chr19-35039108-C-A. GRCh37 (hg19) VCF-style: chr19-35530012-C-A.
Other names: c.350-9C>A (NM_001321605.2).
Identifiers: ClinVar variation 190852 (VCV000190852.9), dbSNP rs786205829, ClinGen allele CA302140.

ClinVar aggregate classification (germline): Conflicting classifications of pathogenicity. Review status: criteria provided, conflicting classifications (1 of 4 stars). 3 submissions from 3 submitters: Uncertain significance (1); Likely benign (2). Last evaluated 2025-11-15.

Conditions:
Brugada syndrome 5 (BRGDA5). Identifiers: Orphanet 130, Orphanet 871, MedGen C2748541, MONDO:0013015, OMIM 612838.

Allele frequency attached by ClinVar (database versions not stated): gnomAD exomes 0.00001 and below 0.00001.

Submissions (3):

Labcorp Genetics (formerly Invitae), Labcorp
Classification: Uncertain significance for Brugada syndrome 5. Last evaluated: 2025-11-15. Review status: criteria provided, single submitter. Criteria: Invitae Variant Classification Sherloc (09022015). Collection method: clinical testing. Allele origin: germline.
Comment: The SCN1B gene has multiple clinically relevant transcripts. This variant occurs in alternate transcript NM_001037.5, and corresponds to NM_199037.3:c.*5010C>A in the primary transcript. This sequence change falls in intron 3 of the SCN1B gene. It does not directly change the encoded amino acid sequence of the SCN1B protein. This variant is present in population databases (rs786205829, gnomAD no frequency). This variant has not been reported in the literature in individuals affected with SCN1B-related conditions. Experimental studies and prediction algorithms are not available or were not evaluated, and the effect of this variant on mRNA splicing is currently unknown. In summary, the available evidence is currently insufficient to determine the role of this variant in disease. Therefore, it has been classified as a Variant of Uncertain Significance.

Blueprint Genetics
Classification: Likely benign. Last evaluated: 2023-03-13. Review status: criteria provided, single submitter. Criteria: ACMG Guidelines, 2015. Collection method: clinical testing. Allele origin: germline.

GeneDx
Classification: Likely benign. Last evaluated: 2014-08-11. Review status: criteria provided, single submitter. Criteria: GeneDx Variant Classification (06012015). Collection method: clinical testing. Allele origin: germline. Affected: yes.
Comment: This variant is considered likely benign or benign based on one or more of the following criteria: it is a conservative change, it occurs at a poorly conserved position in the protein, it is predicted to be benign by multiple in silico algorithms, and/or has population frequency not consistent with disease.